The following is an entry in ClinVar:

NM_001276277.3(PPIP5K2):c.372C>T (p.Asp124=)

Gene: PPIP5K2 (diphosphoinositol pentakisphosphate kinase 2; plus strand). Cytogenetic location: 5q21.1.
Variant type: single nucleotide variant.
Coding change: c.372C>T on transcript NM_001276277.3 (MANE Select); coding-DNA position 372, C replaced by T.
Protein change: p.Asp124=; no amino-acid change (aspartic acid 124 retained).
Molecular consequence: synonymous variant.
Genome position (GRCh38, 1-based): chr5:103,136,793, C>T. VCF-style: chr5-103136793-C-T. GRCh37 (hg19) VCF-style: chr5-102472497-C-T.
Other names: c.372C>T, p.Asp124= (NM_001281471.3, NM_001345871.2, NM_001345872.2 and 7 more transcripts).
Identifiers: ClinVar variation 3038316 (VCV003038316.2), dbSNP rs114517746, ClinGen allele CA3359872.

ClinVar aggregate classification (germline): Benign (0 of 4 stars; one submission).

Conditions:
PPIP5K2-related disorder. Also called: PPIP5K2-related condition.

Allele frequency attached by ClinVar (database versions not stated): gnomAD exomes 0.00119; ExAC 0.00354; 1000 Genomes Project 0.01178; gnomAD 0.01242; 1000 Genomes Project 30x 0.01280; TOPMed 0.01393; ESP Exome Variant Server 0.01415.
gnomAD v4.1: 3,719 of 1,613,514 alleles (0.23%); highest among the groups gnomAD compares: African/African-American, 4.4%; 67 homozygotes.

Submission:

PreventionGenetics, part of Exact Sciences
Classification: Benign for PPIP5K2-related condition. Last evaluated: 2019-12-23. Review status: no assertion criteria provided. Collection method: clinical testing. Allele origin: germline.
Comment: This variant is classified as benign based on ACMG/AMP sequence variant interpretation guidelines (Richards et al. 2015 PMID: 25741868, with internal and published modifications).